The following is an entry in ClinVar:

ClinVar aggregate classification (germline): Uncertain significance. Review status: criteria provided, multiple submitters, no conflicts (2 of 4 stars). 4 submissions from 4 submitters: Uncertain significance (4). Last evaluated 2026-05-14.

Conditions:
Inborn genetic diseases. Identifiers: MedGen C0950123, MeSH D030342.

Allele frequency attached by ClinVar (database versions not stated): gnomAD exomes 0.00001 and 0.00002.
gnomAD v4.1: 27 of 1,551,806 alleles (0.0017%); highest among the groups gnomAD compares: East Asian, 0.0049%; no homozygotes.

Submissions (4):

Ambry Genetics
Classification: Uncertain significance for Inborn genetic diseases. Last evaluated: 2026-05-14. Review status: criteria provided, single submitter. Criteria: Ambry Variant Classification Scheme 2023. Collection method: clinical testing. Allele origin: germline.

Blueprint Genetics
Classification: Uncertain significance. Last evaluated: 2024-11-11. Review status: criteria provided, single submitter. Criteria: ACMG Guidelines, 2015. Collection method: clinical testing. Allele origin: germline.

Labcorp Genetics (formerly Invitae), Labcorp
Classification: Uncertain significance. Last evaluated: 2024-07-08. Review status: criteria provided, single submitter. Criteria: Invitae Variant Classification Sherloc (09022015). Collection method: clinical testing. Allele origin: germline.
Comment: This sequence change replaces proline, which is neutral and non-polar, with threonine, which is neutral and polar, at codon 860 of the MYH14 protein (p.Pro860Thr). The frequency data for this variant in the population databases is considered unreliable, as metrics indicate poor data quality at this position in the gnomAD database. This variant has not been reported in the literature in individuals affected with MYH14-related conditions. ClinVar contains an entry for this variant (Variation ID: 930153). Advanced modeling of protein sequence and biophysical properties (such as structural, functional, and spatial information, amino acid conservation, physicochemical variation, residue mobility, and thermodynamic stability) performed at Invitae indicates that this missense variant is expected to disrupt MYH14 protein function with a positive predictive value of 80%. In summary, the available evidence is currently insufficient to determine the role of this variant in disease. Therefore, it has been classified as a Variant of Uncertain Significance.

Laboratory for Molecular Medicine, Mass General Brigham Personalized Medicine
Classification: Uncertain significance. Last evaluated: 2019-03-15. Review status: criteria provided, single submitter. Criteria: LMM Criteria. Collection method: clinical testing. Allele origin: germline. Observed: 1 variant allele.
Comment: The p.Pro901Thr variant in MYH14A has not been previously reported in individuals with hearing loss but has been identified in 0.002% (1/59892) of European chromosomes by gnomAD. Computational prediction tools and conservation analysis do not provide strong support for or against an impact to the protein. In summary, the clinical significance of this variant is uncertain. ACMG/AMP Criteria applied: PM2.

NM_001145809.2(MYH14):c.2701C>A (p.Pro901Thr)

Gene: MYH14 (myosin heavy chain 14; plus strand). Cytogenetic location: 19q13.33.
Variant type: single nucleotide variant.
Coding change: c.2701C>A on transcript NM_001145809.2 (MANE Select); coding-DNA position 2701, C replaced by A.
Protein change: p.Pro901Thr; replaces proline 901 with threonine.
Molecular consequence: missense variant.
Genome position (GRCh38, 1-based): chr19:50,266,883, C>A. VCF-style: chr19-50266883-C-A. GRCh37 (hg19) VCF-style: chr19-50770140-C-A.
Other names: c.2602C>A, p.Pro868Thr (NM_001077186.2); c.2578C>A, p.Pro860Thr (NM_024729.4); c.2578C>A (NM_024729.3); short protein forms P901T, P860T, P868T.
Identifiers: ClinVar variation 930153 (VCV000930153.9), dbSNP rs1324093100, ClinGen allele CA406947507.